The following is an entry in ClinVar:

NM_001374828.1(ARID1B):c.2784G>A (p.Ala928=)

Gene: ARID1B (AT-rich interaction domain 1B; plus strand). Cytogenetic location: 6q25.3.
Variant type: single nucleotide variant.
Coding change: c.2784G>A on transcript NM_001374828.1 (MANE Select); coding-DNA position 2784, G replaced by A.
Protein change: p.Ala928=; no amino-acid change (alanine 928 retained).
Molecular consequence: synonymous variant.
Genome position (GRCh38, 1-based): chr6:157,148,646, G>A. VCF-style: chr6-157148646-G-A. GRCh37 (hg19) VCF-style: chr6-157469780-G-A.
Other names: c.2574G>A (NM_020732.3); c.285G>A, p.Ala95= (NM_001363725.2); c.2823G>A, p.Ala941= (NM_001371656.1, NM_001374820.1); c.2784G>A, p.Ala928= (NM_017519.3).
Identifiers: ClinVar variation 1665664 (VCV001665664.14), dbSNP rs772564622, ClinGen allele CA4067148.

ClinVar aggregate classification (germline): Likely benign. Review status: criteria provided, multiple submitters, no conflicts (2 of 4 stars). 3 submissions from 3 submitters: Likely benign (2). 1 of the submissions does not count toward it. Last evaluated 2026-03-01.

Conditions:
ARID1B-Related Disorder. Identifiers: MedGen CN381337.

Allele frequency attached by ClinVar (database versions not stated): gnomAD exomes 0.00002; ExAC 0.00003.
gnomAD v4.1: 23 of 1,597,012 alleles (0.0014%); highest among the groups gnomAD compares: South Asian, 0.0022%; no homozygotes.

Submissions (3):

CeGaT Center for Human Genetics Tuebingen
Classification: Likely benign. Last evaluated: 2026-03-01. Review status: criteria provided, single submitter. Criteria: CeGaT Center For Human Genetics Tuebingen Variant Classification Criteria Version 2. Collection method: clinical testing. Allele origin: germline. Affected: yes. Observed: 1 variant allele.
Comment: ARID1B: BP4, BP7

Labcorp Genetics (formerly Invitae), Labcorp
Classification: Likely benign. Last evaluated: 2025-03-01. Review status: criteria provided, single submitter. Criteria: Invitae Variant Classification Sherloc (09022015). Collection method: clinical testing. Allele origin: germline.

PreventionGenetics, part of Exact Sciences
Classification: Likely benign for ARID1B-related condition. Last evaluated: 2021-07-27. Review status: no assertion criteria provided. Collection method: clinical testing. Allele origin: germline. Not counted in ClinVar's aggregate classification.
Comment: This variant is classified as likely benign based on ACMG/AMP sequence variant interpretation guidelines (Richards et al. 2015 PMID: 25741868, with internal and published modifications).